The following is an entry in ClinVar:

ClinVar aggregate classification (germline): Uncertain significance. Review status: criteria provided, multiple submitters, no conflicts (2 of 4 stars). 3 submissions from 3 submitters: Uncertain significance (3). Last evaluated 2024-06-10.

Allele frequency attached by ClinVar (database versions not stated): gnomAD exomes below 0.00001; gnomAD 0.00001.
gnomAD v4.1: 14 of 1,605,506 alleles (0.00087%); highest among the groups gnomAD compares: Non-Finnish European, 0.0012%; no homozygotes.

Submissions (3):

Blueprint Genetics
Classification: Uncertain significance. Last evaluated: 2024-06-10. Review status: criteria provided, single submitter. Criteria: ACMG Guidelines, 2015. Collection method: clinical testing. Allele origin: germline.

Women's Health and Genetics/Laboratory Corporation of America, LabCorp
Classification: Uncertain significance. Last evaluated: 2024-05-28. Review status: criteria provided, single submitter. Criteria: LabCorp Variant Classification Summary - May 2015. Collection method: clinical testing. Allele origin: germline.
Comment: Variant summary: MYH14 c.4919A>G (p.Glu1640Gly) results in a non-conservative amino acid change located in the Myosin tail of the encoded protein sequence. Five of five in-silico tools predict a damaging effect of the variant on protein function. The variant allele was found at a frequency of 4.3e-06 in 232060 control chromosomes. The available data on variant occurrences in the general population are insufficient to allow any conclusion about variant significance. To our knowledge, no occurrence of c.4919A>G in individuals affected with Deafness, Autosomal Dominant 4 and no experimental evidence demonstrating its impact on protein function have been reported. ClinVar contains an entry for this variant (Variation ID: 987876). Based on the evidence outlined above, the variant was classified as uncertain significance.

GeneDx
Classification: Uncertain significance. Last evaluated: 2020-11-05. Review status: criteria provided, single submitter. Criteria: GeneDx Variant Classification Process June 2021. Collection method: clinical testing. Allele origin: germline. Affected: yes.
Comment: In silico analysis supports that this missense variant has a deleterious effect on protein structure/function; Has not been previously published as pathogenic or benign to our knowledge

NM_001145809.2(MYH14):c.5042A>G (p.Glu1681Gly)

Gene: MYH14 (myosin heavy chain 14; plus strand). Cytogenetic location: 19q13.33.
Variant type: single nucleotide variant.
Coding change: c.5042A>G on transcript NM_001145809.2 (MANE Select); coding-DNA position 5042, A replaced by G.
Protein change: p.Glu1681Gly; replaces glutamic acid 1681 with glycine.
Molecular consequence: missense variant.
Genome position (GRCh38, 1-based): chr19:50,290,963, A>G. VCF-style: chr19-50290963-A-G. GRCh37 (hg19) VCF-style: chr19-50794220-A-G.
Other names: c.4943A>G, p.Glu1648Gly (NM_001077186.2); c.4919A>G, p.Glu1640Gly (NM_024729.4); short protein forms E1640G, E1648G, E1681G.
Identifiers: ClinVar variation 987876 (VCV000987876.6), dbSNP rs1206556550, ClinGen allele CA406961851.